The following is an entry in ClinVar:

NM_003998.4(NFKB1):c.2703G>C (p.Gln901His)

Gene: NFKB1 (nuclear factor kappa B subunit 1; plus strand). Cytogenetic location: 4q24.
Variant type: single nucleotide variant.
Coding change: c.2703G>C on transcript NM_003998.4 (MANE Select); coding-DNA position 2703, G replaced by C.
Protein change: p.Gln901His; replaces glutamine 901 with histidine.
Molecular consequence: missense variant.
Genome position (GRCh38, 1-based): chr4:102,613,535, G>C. VCF-style: chr4-102613535-G-C. GRCh37 (hg19) VCF-style: chr4-103534692-G-C.
Other names: c.2703G>C (NM_003998.3); c.2700G>C, p.Gln900His (NM_001165412.2, NM_001319226.2, NM_001382627.1); c.2703G>C, p.Gln901His (NM_001382625.1, NM_001382626.1); c.2661G>C, p.Gln887His (NM_001382628.1); short protein forms Q901H, Q887H, Q900H.
Identifiers: ClinVar variation 2187868 (VCV002187868.5), dbSNP rs201708495, ClinGen allele CA3026502.
Genomic context (GRCh38, chr4:102,613,535, plus strand): 5'-CTACACCGAAGCAATTGAAGTGATCCAGGCAGCCTCCAGCCCAGTGAAGACCACCTCTCA[G>C]GCCCACTCGCTGCCTCTCTCGCCTGCCTCCACAAGGCAGCAAATAGGTAAAAAAAAAGAC-3'
Protein context (NP_003989.2, residues 891-911): AASSPVKTTS[Gln901His]AHSLPLSPAS

ClinVar aggregate classification (germline): Uncertain significance. Review status: criteria provided, multiple submitters, no conflicts (2 of 4 stars). 2 submissions from 2 submitters: Uncertain significance (2). Last evaluated 2025-10-15.

Conditions:
Inborn genetic diseases. Identifiers: MedGen C0950123, MeSH D030342.

Allele frequency attached by ClinVar (database versions not stated): ExAC 0.00002; TOPMed 0.00002; gnomAD 0.00003; 1000 Genomes Project 0.00020; 1000 Genomes Project 30x 0.00031.
gnomAD v4.1: 5 of 1,613,798 alleles (0.00031%); highest among the groups gnomAD compares: African/African-American, 0.0053%; no homozygotes.

Submissions (2):

Labcorp Genetics (formerly Invitae), Labcorp
Classification: Uncertain significance. Last evaluated: 2025-10-15. Review status: criteria provided, single submitter. Criteria: Invitae Variant Classification Sherloc (09022015). Collection method: clinical testing. Allele origin: germline.
Comment: This sequence change replaces glutamine, which is neutral and polar, with histidine, which is basic and polar, at codon 901 of the NFKB1 protein (p.Gln901His). This variant is present in population databases (rs201708495, gnomAD 0.01%). This variant has not been reported in the literature in individuals affected with NFKB1-related conditions. ClinVar contains an entry for this variant (Variation ID: 2187868). Invitae Evidence Modeling of protein sequence and biophysical properties (such as structural, functional, and spatial information, amino acid conservation, physicochemical variation, residue mobility, and thermodynamic stability) indicates that this missense variant is not expected to disrupt NFKB1 protein function with a negative predictive value of 80%. In summary, the available evidence is currently insufficient to determine the role of this variant in disease. Therefore, it has been classified as a Variant of Uncertain Significance.

Ambry Genetics
Classification: Uncertain significance for Inborn genetic diseases. Last evaluated: 2025-06-24. Review status: criteria provided, single submitter. Criteria: Ambry Variant Classification Scheme 2023. Collection method: clinical testing. Allele origin: germline.